The following is an entry in ClinVar:

ClinVar aggregate classification (germline): Likely benign. Review status: criteria provided, multiple submitters, no conflicts (2 of 4 stars). 3 submissions from 3 submitters: Likely benign (2). 1 of the submissions does not count toward it. Last evaluated 2025-12-16.

Conditions:
KATNIP-related disorder. Also called: KATNIP-related condition.

Allele frequency attached by ClinVar (database versions not stated): gnomAD 0.00006; TOPMed 0.00009.
gnomAD v4.1: 187 of 1,614,070 alleles (0.012%); highest among the groups gnomAD compares: Non-Finnish European, 0.014%; no homozygotes.

Submissions (3):

Labcorp Genetics (formerly Invitae), Labcorp
Classification: Likely benign. Last evaluated: 2025-12-16. Review status: criteria provided, single submitter. Criteria: Invitae Variant Classification Sherloc (09022015). Collection method: clinical testing. Allele origin: germline.

Blueprint Genetics
Classification: Likely benign. Last evaluated: 2022-12-20. Review status: criteria provided, single submitter. Criteria: ACMG Guidelines, 2015. Collection method: clinical testing. Allele origin: germline.

PreventionGenetics, part of Exact Sciences
Classification: Likely benign for KATNIP-related condition. Last evaluated: 2019-04-29. Review status: no assertion criteria provided. Collection method: clinical testing. Allele origin: germline. Not counted in ClinVar's aggregate classification.
Comment: This variant is classified as likely benign based on ACMG/AMP sequence variant interpretation guidelines (Richards et al. 2015 PMID: 25741868, with internal and published modifications).

NM_015202.5(KATNIP):c.2907C>T (p.Pro969=)

Gene: KATNIP (katanin interacting protein; plus strand). Cytogenetic location: 16p12.1.
Variant type: single nucleotide variant.
Coding change: c.2907C>T on transcript NM_015202.5 (MANE Select); coding-DNA position 2907, C replaced by T.
Protein change: p.Pro969=; no amino-acid change (proline 969 retained).
Molecular consequence: synonymous variant.
Genome position (GRCh38, 1-based): chr16:27,749,867, C>T. VCF-style: chr16-27749867-C-T. GRCh37 (hg19) VCF-style: chr16-27761188-C-T.
Other names: c.2907C>T (NM_015202.3).
Identifiers: ClinVar variation 2177053 (VCV002177053.7), dbSNP rs775094409, ClinGen allele CA7978096.